The following is an entry in ClinVar:

ClinVar aggregate classification (germline): Uncertain significance (1 of 4 stars; one submission).

Submission:

Labcorp Genetics (formerly Invitae), Labcorp
Classification: Uncertain significance. Last evaluated: 2025-06-24. Review status: criteria provided, single submitter. Criteria: Invitae Variant Classification Sherloc (09022015). Collection method: clinical testing. Allele origin: germline.
Comment: This sequence change replaces glutamine, which is neutral and polar, with arginine, which is basic and polar, at codon 173 of the KCNH1 protein (p.Gln173Arg). This variant is not present in population databases (gnomAD no frequency). This variant has not been reported in the literature in individuals affected with KCNH1-related conditions. Invitae Evidence Modeling of protein sequence and biophysical properties (such as structural, functional, and spatial information, amino acid conservation, physicochemical variation, residue mobility, and thermodynamic stability) has been performed for this missense variant. However, the output from this modeling did not meet the statistical confidence thresholds required to predict the impact of this variant on KCNH1 protein function. In summary, the available evidence is currently insufficient to determine the role of this variant in disease. Therefore, it has been classified as a Variant of Uncertain Significance.

NM_172362.3(KCNH1):c.518A>G (p.Gln173Arg)

Gene: KCNH1 (potassium voltage-gated channel subfamily H member 1; minus strand). Cytogenetic location: 1q32.2.
Variant type: single nucleotide variant.
Coding change: c.518A>G on transcript NM_172362.3 (MANE Select); coding-DNA position 518, A replaced by G.
Protein change: p.Gln173Arg; replaces glutamine 173 with arginine.
Molecular consequence: missense variant.
Genome position (GRCh38, 1-based): chr1:211,082,820, T>C on the plus strand (A>G on the coding strand, the complement: KCNH1 is on the minus strand). VCF-style: chr1-211082820-T-C. GRCh37 (hg19) VCF-style: chr1-211256162-T-C.
Other names: c.518A>G, p.Gln173Arg (NM_002238.4); short protein forms Q173R.
Identifiers: ClinVar variation 4774853 (VCV004774853.1).